The following is an entry in ClinVar:

NM_020312.4(COQ9):c.518C>T (p.Ala173Val)

Gene: COQ9 (coenzyme Q9; plus strand). Cytogenetic location: 16q21.
Variant type: single nucleotide variant.
Coding change: c.518C>T on transcript NM_020312.4 (MANE Select); coding-DNA position 518, C replaced by T.
Protein change: p.Ala173Val; replaces alanine 173 with valine.
Molecular consequence: missense variant.
Genome position (GRCh38, 1-based): chr16:57,456,643, C>T. VCF-style: chr16-57456643-C-T. GRCh37 (hg19) VCF-style: chr16-57490555-C-T.
Other names: short protein forms A173V.
Identifiers: ClinVar variation 1918822 (VCV001918822.4), dbSNP rs184161190, ClinGen allele CA8076227.

ClinVar aggregate classification (germline): Uncertain significance (1 of 4 stars; one submission).

Allele frequency attached by ClinVar (database versions not stated): gnomAD 0.00001; gnomAD exomes 0.00001; TOPMed 0.00003; ExAC 0.00004; 1000 Genomes Project 0.00020; 1000 Genomes Project 30x 0.00047.
gnomAD v4.1: 17 of 1,613,342 alleles (0.0011%); highest among the groups gnomAD compares: Admixed American, 0.0083%; no homozygotes.

Submissions (2):

Labcorp Genetics (formerly Invitae), Labcorp
Classification: Uncertain significance. Last evaluated: 2025-10-09. Review status: criteria provided, single submitter. Criteria: Invitae Variant Classification Sherloc (09022015). Collection method: clinical testing. Allele origin: germline.
Comment: This sequence change replaces alanine, which is neutral and non-polar, with valine, which is neutral and non-polar, at codon 173 of the COQ9 protein (p.Ala173Val). This variant is present in population databases (rs184161190, gnomAD 0.006%). This variant has not been reported in the literature in individuals affected with COQ9-related conditions. ClinVar contains an entry for this variant (Variation ID: 1918822). An algorithm developed to predict the effect of missense changes on protein structure and function (PolyPhen-2) suggests that this variant is likely to be tolerated. Algorithms developed to predict the effect of sequence changes on RNA splicing suggest that this variant may disrupt the consensus splice site. In summary, the available evidence is currently insufficient to determine the role of this variant in disease. Therefore, it has been classified as a Variant of Uncertain Significance.

Dr. Peter K. Rogan Lab, Western University
No classification provided (evidence only). Condition: Hepatocellular carcinoma. Review status: no classification provided. Collection method: in vitro. Allele origin: not applicable. Functional consequence: retained intron. Not counted in ClinVar's aggregate classification.